The following is an entry in ClinVar:

NM_003742.4(ABCB11):c.214_222dup (p.Ile74_Ala75insHisGlyIle)

Gene: ABCB11 (ATP binding cassette subfamily B member 11; minus strand). Cytogenetic location: 2q31.1.
Variant type: Duplication.
Coding change: c.214_222dup on transcript NM_003742.4 (MANE Select); coding-DNA positions 214 to 222, 9 bases duplicated (CATGGAATA; older notation c.214_222dupCATGGAATA).
Protein change: p.Ile74_Ala75insHisGlyIle.
Molecular consequence: inframe insertion.
Genome position (GRCh38, 1-based): chr2:169,013,439-169,013,447, TATTCCATG duplicated on the plus strand (CATGGAATA on the coding strand, the reverse complement: ABCB11 is on the minus strand). VCF-style (leftmost placement, unchanged base first): chr2-169013438-C-CTATTCCATG. GRCh37 (hg19) VCF-style: chr2-169869948-C-CTATTCCATG.
Identifiers: ClinVar variation 4293531 (VCV004293531.2).

ClinVar aggregate classification (germline): Uncertain significance (1 of 4 stars; one submission).

Conditions:
Progressive familial intrahepatic cholestasis type 2. Identifiers: Orphanet 79304, MedGen C3489789, MONDO:0011156, OMIM 601847.

Submission:

3billion
Classification: Uncertain significance for Progressive familial intrahepatic cholestasis type 2. Last evaluated: 2025-12-16. Review status: criteria provided, single submitter. Criteria: ACMG Guidelines, 2015. Collection method: clinical testing. Allele origin: germline. Affected: yes.
Comment: The variant is not observed in the gnomAD v4.1.0 dataset. Predicted Consequence/Location: Inframe insertion located in a nonrepeat region: predicted to change the length of the protein and disrupt normal protein function. The variant has been reported as of uncertain significance (ClinVar ID: VCV004293531). Therefore, this variant is classified as VUS according to the recommendation of ACMG/AMP guideline.